The following is an entry in ClinVar:

ClinVar aggregate classification (germline): Benign. Review status: criteria provided, multiple submitters, no conflicts (2 of 4 stars). 8 submissions from 8 submitters: Benign (8). Last evaluated 2026-07-01.

Conditions:
Warburg micro syndrome 1 (WARBM1). Identifiers: Orphanet 2510, MedGen C1838625, MONDO:0010822, OMIM 600118.

Allele frequency attached by ClinVar (database versions not stated): gnomAD exomes 0.00175; ExAC 0.00215; gnomAD 0.00710 and 0.00770; ESP Exome Variant Server 0.00723; TOPMed 0.00773; 1000 Genomes Project 0.00799; 1000 Genomes Project 30x 0.00828.
gnomAD v4.1: 2,100 of 1,611,940 alleles (0.13%); highest among the groups gnomAD compares: African/African-American, 2.5%; 24 homozygotes.

Submissions (14):

CeGaT Center for Human Genetics Tuebingen
Classification: Benign. Last evaluated: 2026-07-01. Review status: criteria provided, single submitter. Criteria: CeGaT Center For Human Genetics Tuebingen Variant Classification Criteria Version 2. Collection method: clinical testing. Allele origin: germline. Affected: yes. Observed: 4 variant alleles.
Comment: RAB3GAP1: BS1, BS2

Labcorp Genetics (formerly Invitae), Labcorp
Classification: Benign. Last evaluated: 2026-01-06. Review status: criteria provided, single submitter. Criteria: Invitae Variant Classification Sherloc (09022015). Collection method: clinical testing. Allele origin: germline.

Mayo Clinic Laboratories, Mayo Clinic
Classification: Benign. Last evaluated: 2025-03-11. Review status: criteria provided, single submitter. Criteria: ACMG Guidelines, 2015. Collection method: clinical testing. Allele origin: germline. Observed: 2 variant alleles.
Comment: BS1, BS2, BP4

Athena Diagnostics
Classification: Benign. Last evaluated: 2018-05-14. Review status: criteria provided, single submitter. Criteria: Athena Diagnostics Criteria. Collection method: clinical testing. Allele origin: germline.

Illumina Laboratory Services, Illumina
Classification: Benign for Warburg micro syndrome 1. Last evaluated: 2018-01-13. Review status: criteria provided, single submitter. Criteria: ICSL Variant Classification Criteria 13 December 2019. Collection method: clinical testing. Allele origin: germline.
Comment: This variant was observed in the ICSL laboratory as part of a predisposition screen in an ostensibly healthy population. It had not been previously curated by ICSL or reported in the Human Gene Mutation Database (HGMD: prior to June 1st, 2018), and was therefore a candidate for classification through an automated scoring system. Utilizing variant allele frequency, disease prevalence and penetrance estimates, and inheritance mode, an automated score was calculated to assess if this variant is too frequent to cause the disease. Based on the score and internal cut-off values, a variant classified as benign is not then subjected to further curation. The score for this variant resulted in a classification of benign for this disease.

GeneDx
Classification: Benign. Last evaluated: 2016-08-16. Review status: criteria provided, single submitter. Criteria: GeneDx Variant Classification (06012015). Collection method: clinical testing. Allele origin: germline. Affected: yes.
Comment: This variant is considered likely benign or benign based on one or more of the following criteria: it is a conservative change, it occurs at a poorly conserved position in the protein, it is predicted to be benign by multiple in silico algorithms, and/or has population frequency not consistent with disease.

Genetic Services Laboratory, University of Chicago
Classification: Benign. Last evaluated: 2016-02-26. Review status: criteria provided, single submitter. Criteria: ACMG Guidelines, 2015. Collection method: clinical testing. Allele origin: germline. Affected: no.

Breakthrough Genomics
Classification: Benign. Review status: criteria provided, single submitter. Criteria: ACMG Guidelines, 2015. Collection method: not provided. Allele origin: germline. Inheritance: Autosomal recessive inheritance. Affected: yes.

Dr. Peter K. Rogan Lab, Western University
No classification provided (evidence only). Condition: Clear cell carcinoma of kidney. Review status: no classification provided. Collection method: in vitro. Allele origin: not applicable. Functional consequence: retained intron. Not counted in ClinVar's aggregate classification.

Dr. Peter K. Rogan Lab, Western University
No classification provided (evidence only). Condition: Colon adenocarcinoma. Review status: no classification provided. Collection method: in vitro. Allele origin: not applicable. Functional consequence: retained intron. Not counted in ClinVar's aggregate classification.

Dr. Peter K. Rogan Lab, Western University
No classification provided (evidence only). Condition: Uterine corpus endometrial carcinoma. Review status: no classification provided. Collection method: in vitro. Allele origin: not applicable. Functional consequence: retained intron. Not counted in ClinVar's aggregate classification.

Dr. Peter K. Rogan Lab, Western University
No classification provided (evidence only). Condition: Cervical cancer. Review status: no classification provided. Collection method: in vitro. Allele origin: not applicable. Functional consequence: retained intron. Not counted in ClinVar's aggregate classification.

Dr. Peter K. Rogan Lab, Western University
No classification provided (evidence only). Condition: Sarcoma. Review status: no classification provided. Collection method: in vitro. Allele origin: not applicable. Functional consequence: retained intron. Not counted in ClinVar's aggregate classification.

Dr. Peter K. Rogan Lab, Western University
No classification provided (evidence only). Condition: Ovarian serous cystadenocarcinoma. Review status: no classification provided. Collection method: in vitro. Allele origin: not applicable. Functional consequence: retained intron. Not counted in ClinVar's aggregate classification.

Literature cited by the submitters: PubMed 29924831 (cited by Mayo Clinic Laboratories, Mayo Clinic).

NM_012233.3(RAB3GAP1):c.669G>T (p.Leu223Phe)

Gene: RAB3GAP1 (RAB3 GTPase activating protein catalytic subunit 1; plus strand). Cytogenetic location: 2q21.3.
Variant type: single nucleotide variant.
Coding change: c.669G>T on transcript NM_012233.3 (MANE Select); coding-DNA position 669, G replaced by T.
Protein change: p.Leu223Phe; replaces leucine 223 with phenylalanine.
Molecular consequence: missense variant.
Genome position (GRCh38, 1-based): chr2:135,120,839, G>T. VCF-style: chr2-135120839-G-T. GRCh37 (hg19) VCF-style: chr2-135878409-G-T.
Other names: p.Leu223Phe; c.669G>T, p.Leu223Phe (NM_001172435.2); short protein forms L223F.
Identifiers: ClinVar variation 130071 (VCV000130071.45), dbSNP rs76927619, ClinGen allele CA154851.